The following is an entry in ClinVar:

NM_000297.4(PKD2):c.1827A>G (p.Leu609=)

Gene: PKD2 (polycystin 2, transient receptor potential cation channel; plus strand). Cytogenetic location: 4q22.1.
Variant type: single nucleotide variant.
Coding change: c.1827A>G on transcript NM_000297.4 (MANE Select); coding-DNA position 1827, A replaced by G.
Protein change: p.Leu609=; no amino-acid change (leucine 609 retained).
Molecular consequence: synonymous variant. On other transcripts: non-coding transcript variant (1).
Genome position (GRCh38, 1-based): chr4:88,056,196, A>G. VCF-style: chr4-88056196-A-G. GRCh37 (hg19) VCF-style: chr4-88977348-A-G.
Other names: c.1827A>G (NM_000297.3).
Identifiers: ClinVar variation 2417011 (VCV002417011.8), dbSNP rs765859668, ClinGen allele CA3004058.

ClinVar aggregate classification (germline): Likely benign. Review status: criteria provided, multiple submitters, no conflicts (2 of 4 stars). 2 submissions from 2 submitters: Likely benign (2). Last evaluated 2026-01-26.

Conditions:
PKD2-related disorder. Also called: PKD2-related condition.
Autosomal dominant polycystic kidney disease. Identifiers: Orphanet 730, MedGen C0085413, MONDO:0004691.

Allele frequency attached by ClinVar (database versions not stated): gnomAD exomes below 0.00001; ExAC 0.00002; gnomAD 0.00003; TOPMed 0.00003.
gnomAD v4.1: 7 of 1,613,472 alleles (0.00043%); highest among the groups gnomAD compares: African/African-American, 0.008%; no homozygotes.

Submissions (2):

PreventionGenetics, part of Exact Sciences
Classification: Likely benign for PKD2-related condition. Last evaluated: 2026-01-26. Review status: criteria provided, single submitter. Criteria: ACMG Guidelines, 2015. Collection method: clinical testing. Allele origin: germline.
Comment: This variant is classified as likely benign based on ACMG/AMP sequence variant interpretation guidelines (Richards et al. 2015 PMID: 25741868, with internal and published modifications).

Labcorp Genetics (formerly Invitae), Labcorp
Classification: Likely benign for Autosomal dominant polycystic kidney disease. Last evaluated: 2022-02-25. Review status: criteria provided, single submitter. Criteria: Invitae Variant Classification Sherloc (09022015). Collection method: clinical testing. Allele origin: germline.